The following is an entry in ClinVar:

ClinVar aggregate classification (germline): Likely pathogenic. Review status: criteria provided, multiple submitters, no conflicts (2 of 4 stars). 3 submissions from 3 submitters: Likely pathogenic (3). Last evaluated 2026-05-14.

Conditions:
Pancytopenia due to IKZF1 mutations. Also called: Immunodeficiency, common variable, 13. Identifiers: Orphanet 317473, MedGen C4225173, MONDO:0014810, OMIM 616873.

Allele frequency attached by ClinVar (database versions not stated): ExAC 0.00001.
gnomAD v4.1: 2 of 1,612,082 alleles (0.00012%); highest among the groups gnomAD compares: Non-Finnish European, 0.00017%; no homozygotes.

Submissions (3):

Division of Clinical Immunology and Allergy, Necmettin Erbakan University, Faculty of Medicine
Classification: Likely pathogenic for Pancytopenia due to IKZF1 mutations. Last evaluated: 2026-05-14. Review status: criteria provided, single submitter. Criteria: ACMG Guidelines, 2015. Collection method: clinical testing. Allele origin: germline. Affected: yes. Observed: 1 variant allele.

GeneDx
Classification: Likely pathogenic. Last evaluated: 2024-12-12. Review status: criteria provided, single submitter. Criteria: GeneDx Variant Classification Process June 2021. Collection method: clinical testing. Allele origin: germline. Affected: yes.
Comment: Published functional studies suggest a damaging effect on protein function (PMID: 33122583, 31057532); In silico analysis supports that this missense variant has a deleterious effect on protein structure/function; This variant is associated with the following publications: (PMID: 32506361, 32531373, 35333544, 33691560, 35087518, 36433803, 31057532, 33122583)

Labcorp Genetics (formerly Invitae), Labcorp
Classification: Likely pathogenic. Last evaluated: 2023-06-27. Review status: criteria provided, single submitter. Criteria: Invitae Variant Classification Sherloc (09022015). Collection method: clinical testing. Allele origin: germline.
Comment: In summary, the currently available evidence indicates that the variant is pathogenic, but additional data are needed to prove that conclusively. Therefore, this variant has been classified as Likely Pathogenic. Experimental studies have shown that this missense change affects IKZF1 function (PMID: 31057532, 33122583). Algorithms developed to predict the effect of variants on protein structure and function are not available or were not evaluated for this variant. This missense change has been observed in individual(s) with clinical features of common variable immunodeficiency (PMID: 31057532, 32531373, 33122583). It has also been observed to segregate with disease in related individuals. This variant is present in population databases (rs757521297, gnomAD 0.0009%). This sequence change replaces arginine, which is basic and polar, with tryptophan, which is neutral and slightly polar, at codon 143 of the IKZF1 protein (p.Arg143Trp).

Literature cited by the submitters: PubMed 31057532 (cited by Labcorp Genetics (formerly Invitae), Labcorp); PubMed 33122583 (cited by Labcorp Genetics (formerly Invitae), Labcorp); PubMed 32531373 (cited by Labcorp Genetics (formerly Invitae), Labcorp).

NM_006060.6(IKZF1):c.427C>T (p.Arg143Trp)

Gene: IKZF1 (IKAROS family zinc finger 1; plus strand). Cytogenetic location: 7p12.2.
Variant type: single nucleotide variant.
Coding change: c.427C>T on transcript NM_006060.6 (MANE Select); coding-DNA position 427, C replaced by T.
Protein change: p.Arg143Trp; replaces arginine 143 with tryptophan.
Molecular consequence: missense variant. On other transcripts: intron variant (6).
Genome position (GRCh38, 1-based): chr7:50,382,545, C>T. VCF-style: chr7-50382545-C-T. GRCh37 (hg19) VCF-style: chr7-50450243-C-T.
Other names: c.427C>T, p.Arg143Trp (NM_001220765.3, NM_001220768.2, NM_001291837.2); c.166C>T, p.Arg56Trp (NM_001220767.2, NM_001220770.2, NM_001291838.2 and 1 more transcripts); c.487C>T, p.Arg163Trp (NM_001410879.1); c.421+5752C>T (NM_001220771.2); c.161-4800C>T (NM_001291841.1, NM_001291842.1); c.161-9184C>T (NM_001291843.1, NM_001291844.1); c.161-17373C>T (NM_001291840.1); c.427C>T (NM_006060.5); short protein forms R56W, R143W, R163W.
Identifiers: ClinVar variation 2907372 (VCV002907372.5), dbSNP rs757521297, ClinGen allele CA4261302.